The following is an entry in ClinVar:

NM_001231.5(CASQ1):c.277G>A (p.Glu93Lys)

Gene: CASQ1 (calsequestrin 1; plus strand). Cytogenetic location: 1q23.2.
Variant type: single nucleotide variant.
Coding change: c.277G>A on transcript NM_001231.5 (MANE Select); coding-DNA position 277, G replaced by A.
Protein change: p.Glu93Lys; replaces glutamic acid 93 with lysine.
Molecular consequence: missense variant.
Genome position (GRCh38, 1-based): chr1:160,191,028, G>A. VCF-style: chr1-160191028-G-A. GRCh37 (hg19) VCF-style: chr1-160160818-G-A.
Other names: short protein forms E93K.
Identifiers: ClinVar variation 2994511 (VCV002994511.3), dbSNP rs751350723, ClinGen allele CA1196110.
Genomic context (GRCh38, chr1:160,191,028, plus strand): 5'-GAACCCCCCGAGGATGACAAGGCCTCACAAAGACAATTTGAGATGGAGGAGCTGATCCTG[G>A]AGGTGAGTTGGGGGCACTGCAGGCCTGCAGAGCATGTCTAGCCCCTCTCCGGAATCCCCT-3'
Protein context (NP_001222.3, residues 83-103): RQFEMEELIL[Glu93Lys]LAAQVLEDKG

ClinVar aggregate classification (germline): Uncertain significance (1 of 4 stars; one submission).

Allele frequency attached by ClinVar (database versions not stated): TOPMed below 0.00001; ExAC 0.00002; gnomAD exomes 0.00002.
gnomAD v4.1: 12 of 1,613,892 alleles (0.00074%); highest among the groups gnomAD compares: African/African-American, 0.0013%; no homozygotes.

Submission:

Labcorp Genetics (formerly Invitae), Labcorp
Classification: Uncertain significance. Last evaluated: 2023-06-23. Review status: criteria provided, single submitter. Criteria: Invitae Variant Classification Sherloc (09022015). Collection method: clinical testing. Allele origin: germline.
Comment: This variant is present in population databases (rs751350723, gnomAD 0.007%). This sequence change replaces glutamic acid, which is acidic and polar, with lysine, which is basic and polar, at codon 93 of the CASQ1 protein (p.Glu93Lys). This variant has not been reported in the literature in individuals affected with CASQ1-related conditions. An algorithm developed to predict the effect of missense changes on protein structure and function (PolyPhen-2) suggests that this variant is likely to be disruptive. In summary, the available evidence is currently insufficient to determine the role of this variant in disease. Therefore, it has been classified as a Variant of Uncertain Significance.